The following is an entry in ClinVar:

ClinVar aggregate classification (germline): Likely pathogenic (1 of 4 stars; one submission).

Submission:

CeGaT Center for Human Genetics Tuebingen
Classification: Likely pathogenic. Last evaluated: 2026-05-01. Review status: criteria provided, single submitter. Criteria: CeGaT Center For Human Genetics Tuebingen Variant Classification Criteria Version 2. Collection method: clinical testing. Allele origin: germline. Affected: yes. Observed: 2 variant alleles.
Comment: RUNX2: PVS1:Strong, PM2

NM_001024630.4(RUNX2):c.1041del (p.Asp348fs)

Gene: RUNX2 (RUNX family transcription factor 2; plus strand). Cytogenetic location: 6p21.1.
Variant type: Deletion.
Coding change: c.1041del on transcript NM_001024630.4 (MANE Select); coding-DNA position 1041, one base deleted (T; older notation c.1041delT).
Protein change: p.Asp348fs; shifts the reading frame from aspartic acid 348.
Molecular consequence: frameshift variant. On other transcripts: intron variant (2).
Genome position (GRCh38, 1-based): chr6:45,545,236, T deleted. VCF-style (leftmost placement, unchanged base first): chr6-45545235-CT-C. GRCh37 (hg19) VCF-style: chr6-45512972-CT-C.
Other names: c.999del, p.Asp334fs (NM_001369405.1); c.1022-1591del (NM_001015051.4); c.980-1591del (NM_001278478.2); short protein forms D334fs, D348fs.
Identifiers: ClinVar variation 3905941 (VCV003905941.10).